The following is an entry in ClinVar:

ClinVar aggregate classification (germline): Uncertain significance (1 of 4 stars; one submission).

Conditions:
Developmental and epileptic encephalopathy, 11 (DEE11). Also called: Early infantile epileptic encephalopathy 11. Identifiers: Orphanet 1934, MedGen C3150987, MONDO:0013388, OMIM 613721.
Seizures, benign familial infantile, 3 (BFIS3). Also called: Familial neonatal seizures; CONVULSIONS, BENIGN FAMILIAL INFANTILE, 3. Identifiers: Orphanet 140927, Orphanet 306, MedGen C1843140, MONDO:0011904, OMIM 607745.

Submission:

Labcorp Genetics (formerly Invitae), Labcorp
Classification: Uncertain significance for Seizures, benign familial infantile, 3; Developmental and epileptic encephalopathy, 11. Last evaluated: 2020-11-16. Review status: criteria provided, single submitter. Criteria: Invitae Variant Classification Sherloc (09022015). Collection method: clinical testing. Allele origin: germline.
Comment: This sequence change replaces alanine with serine at codon 1787 of the SCN2A protein (p.Ala1787Ser). The alanine residue is highly conserved and there is a moderate physicochemical difference between alanine and serine. This variant is not present in population databases (ExAC no frequency). This variant has not been reported in the literature in individuals with SCN2A-related conditions. Algorithms developed to predict the effect of missense changes on protein structure and function (SIFT, PolyPhen-2, Align-GVGD) all suggest that this variant is likely to be tolerated, but these predictions have not been confirmed by published functional studies and their clinical significance is uncertain. In summary, the available evidence is currently insufficient to determine the role of this variant in disease. Therefore, it has been classified as a Variant of Uncertain Significance.

NM_001040142.2(SCN2A):c.5359G>T (p.Ala1787Ser)

Gene: SCN2A (sodium voltage-gated channel alpha subunit 2; plus strand). Cytogenetic location: 2q24.3.
Variant type: single nucleotide variant.
Coding change: c.5359G>T on transcript NM_001040142.2 (MANE Select); coding-DNA position 5359, G replaced by T.
Protein change: p.Ala1787Ser; replaces alanine 1787 with serine.
Molecular consequence: missense variant.
Genome position (GRCh38, 1-based): chr2:165,389,165, G>T. VCF-style: chr2-165389165-G-T. GRCh37 (hg19) VCF-style: chr2-166245675-G-T.
Other names: c.5359G>T, p.Ala1787Ser (NM_001040143.2, NM_001371246.1, NM_001371247.1 and 1 more transcripts); short protein forms A1787S.
Identifiers: ClinVar variation 1063873 (VCV001063873.9), dbSNP rs760354266, ClinGen allele CA349038795.